The following is an entry in ClinVar:

ClinVar aggregate classification (germline): Likely benign (0 of 4 stars; one submission).

Conditions:
ADAMTSL1-related disorder. Also called: ADAMTSL1-related condition.

gnomAD v4.1: 248 of 1,613,910 alleles (0.015%); highest among the groups gnomAD compares: Admixed American, 0.28%; 1 homozygote.

Submission:

PreventionGenetics, part of Exact Sciences
Classification: Likely benign for ADAMTSL1-related condition. Last evaluated: 2023-03-27. Review status: no assertion criteria provided. Collection method: clinical testing. Allele origin: germline.
Comment: This variant is classified as likely benign based on ACMG/AMP sequence variant interpretation guidelines (Richards et al. 2015 PMID: 25741868, with internal and published modifications).

NM_001040272.6(ADAMTSL1):c.95G>A (p.Arg32Gln)

Gene: ADAMTSL1 (ADAMTS like 1; plus strand). Cytogenetic location: 9p22.1.
Variant type: single nucleotide variant.
Coding change: c.95G>A on transcript NM_001040272.6 (MANE Select); coding-DNA position 95, G replaced by A.
Protein change: p.Arg32Gln; replaces arginine 32 with glutamine.
Molecular consequence: missense variant.
Genome position (GRCh38, 1-based): chr9:18,504,860, G>A. VCF-style: chr9-18504860-G-A. GRCh37 (hg19) VCF-style: chr9-18504858-G-A.
Other names: c.95G>A, p.Arg32Gln (NM_052866.5); short protein forms R32Q.
Identifiers: ClinVar variation 3054042 (VCV003054042.2), dbSNP rs200963194, ClinGen allele CA4998500.
Genomic context (GRCh38, chr9:18,504,860, plus strand): 5'-GATGCTGACCATTCTTTTGTTTCTCACAGAGTTCCAGGACCGCACGCTCCGAGGAGGACC[G>A]GGACGGCCTATGGGATGCCTGGGGCCCATGGAGTGAATGCTCACGCACCTGCGGGGGTGG-3'
Protein context (NP_001035362.3, residues 22-42): SSRTARSEED[Arg32Gln]DGLWDAWGPW